The following is an entry in ClinVar:

ClinVar aggregate classification (germline): Uncertain significance (1 of 4 stars; one submission).

Conditions:
Primary ciliary dyskinesia. Also called: Ciliary dyskinesia. Identifiers: Orphanet 244, MedGen C0008780, MONDO:0016575, HP:0012265.

Submission:

Ambry Genetics
Classification: Uncertain significance for Primary ciliary dyskinesia. Last evaluated: 2017-10-30. Review status: criteria provided, single submitter. Criteria: Ambry Variant Classification Scheme 2023. Collection method: clinical testing. Allele origin: germline.
Comment: The c.20_22delTCA variant (also known as p.I7del) is located in coding exon 1 of the CCDC103 gene. This variant results from an in-frame TCA deletion at nucleotide positions 20 to 22. This results in the in-frame deletion of an isoleucine at codon 7. This amino acid position is not well conserved in available vertebrate species. Since supporting evidence is limited at this time, the clinical significance of this alteration remains unclear.

NM_213607.3(DNAAF19):c.17TCA[1] (p.Ile7del)

Gene: DNAAF19 (dynein axonemal assembly factor 19; plus strand). Cytogenetic location: 17q21.31.
Variant type: Microsatellite.
Coding change: c.17TCA[1] on transcript NM_213607.3 (MANE Select); one copy of the 3-base unit TCA starting at c.17; the reference has two copies in a row; one copy, 3 bases deleted.
Protein change: p.Ile7del; deletes isoleucine 7.
Molecular consequence: inframe deletion.
Genome position (GRCh38, 1-based): chr17:44,901,018-44,901,020, TCA deleted; deleting any 3 consecutive bases within chr17:44,901,013-44,901,020 gives the same sequence; the position shown is the placement nearest the transcript's 3' end. VCF-style (leftmost placement, unchanged base first): chr17-44901012-ACAT-A. GRCh37 (hg19) VCF-style: chr17-42978380-ACAT-A.
Other names: c.17TCA[1], p.Ile7del (NM_001258395.2, NM_001258396.2, NM_001258397.3 and 2 more transcripts); short protein forms I7del.
Identifiers: ClinVar variation 1784223 (VCV001784223.2), dbSNP rs2508891342, ClinGen allele CA2576294058.